The following is an entry in ClinVar:

ClinVar aggregate classification (germline): Benign (1 of 4 stars; one submission).

Conditions:
Megalencephalic leukoencephalopathy with subcortical cysts 1 (MLC1). Also called: LEUKOENCEPHALOPATHY WITH SWELLING AND CYSTS; VACUOLATING MEGALENCEPHALIC LEUKOENCEPHALOPATHY WITH SUBCORTICAL CYSTS. Identifiers: Orphanet 2478, MedGen C5779875, MONDO:0024555, OMIM 604004.

Allele frequency attached by ClinVar (database versions not stated): gnomAD exomes 0.00086; gnomAD 0.00785 and 0.00833; TOPMed 0.00901; 1000 Genomes Project 0.01018; 1000 Genomes Project 30x 0.01062.
gnomAD v4.1: 1,403 of 408,988 alleles (0.34%); highest among the groups gnomAD compares: African/African-American, 2.7%; 23 homozygotes.

Submission:

Illumina Laboratory Services, Illumina
Classification: Benign for Megalencephalic leukoencephalopathy with subcortical cysts 1. Last evaluated: 2018-01-13. Review status: criteria provided, single submitter. Criteria: ICSL Variant Classification Criteria 13 December 2019. Collection method: clinical testing. Allele origin: germline.
Comment: This variant was observed in the ICSL laboratory as part of a predisposition screen in an ostensibly healthy population. It had not been previously curated by ICSL or reported in the Human Gene Mutation Database (HGMD: prior to June 1st, 2018), and was therefore a candidate for classification through an automated scoring system. Utilizing variant allele frequency, disease prevalence and penetrance estimates, and inheritance mode, an automated score was calculated to assess if this variant is too frequent to cause the disease. Based on the score and internal cut-off values, a variant classified as benign is not then subjected to further curation. The score for this variant resulted in a classification of benign for this disease.

NM_015166.4(MLC1):c.*339C>T

Gene: MLC1 (modulator of VRAC current 1; minus strand). Cytogenetic location: 22q13.33.
Variant type: single nucleotide variant.
Coding change: c.*339C>T on transcript NM_015166.4 (MANE Select); 339 bases downstream of the stop codon, C replaced by T.
Molecular consequence: 3 prime UTR variant. On other transcripts: intron variant (2).
Genome position (GRCh38, 1-based): chr22:50,061,244, G>A on the plus strand (C>T on the coding strand, the complement: MLC1 is on the minus strand). VCF-style: chr22-50061244-G-A. GRCh37 (hg19) VCF-style: chr22-50499673-G-A.
Other names: c.*339C>T (NM_001376472.1, NM_001376473.1, NM_001376474.1 and 9 more transcripts); c.*45+294C>T (NM_001376478.1, NM_001376477.1).
Identifiers: ClinVar variation 342101 (VCV000342101.5), dbSNP rs115770001, ClinGen allele CA10651507.